The following is an entry in ClinVar:

NM_003119.4(SPG7):c.2027T>C (p.Phe676Ser)

Gene: SPG7 (SPG7 matrix AAA peptidase subunit, paraplegin; plus strand). Cytogenetic location: 16q24.3.
Variant type: single nucleotide variant.
Coding change: c.2027T>C on transcript NM_003119.4 (MANE Select); coding-DNA position 2027, T replaced by C.
Protein change: p.Phe676Ser; replaces phenylalanine 676 with serine.
Molecular consequence: missense variant.
Genome position (GRCh38, 1-based): chr16:89,553,884, T>C. VCF-style: chr16-89553884-T-C. GRCh37 (hg19) VCF-style: chr16-89620292-T-C.
Other names: c.2027T>C, p.Phe676Ser (NM_001363850.1); short protein forms F676S.
Identifiers: ClinVar variation 835294 (VCV000835294.6), dbSNP rs2058661946, ClinGen allele CA397434152.

ClinVar aggregate classification (germline): Uncertain significance (1 of 4 stars; one submission).

Conditions:
Hereditary spastic paraplegia 7 (SPG7). Also called: SPG7-related neurologic disorder; Autosomal recessive spastic paraplegia type 7; SPASTIC PARAPLEGIA 7, AUTOSOMAL RECESSIVE, WITH OR WITHOUT CEREBELLAR ATAXIA; Spastic paraplegia 7; Hereditary spastic paraplegia Paraplegin type. Identifiers: Orphanet 99013, MedGen C1846564, MONDO:0011803, OMIM 607259.

Submission:

Labcorp Genetics (formerly Invitae), Labcorp
Classification: Uncertain significance for Hereditary spastic paraplegia 7. Last evaluated: 2021-11-05. Review status: criteria provided, single submitter. Criteria: Invitae Variant Classification Sherloc (09022015). Collection method: clinical testing. Allele origin: germline.
Comment: This sequence change replaces phenylalanine, which is neutral and non-polar, with serine, which is neutral and polar, at codon 676 of the SPG7 protein (p.Phe676Ser). This variant is not present in population databases (gnomAD no frequency). This variant has not been reported in the literature in individuals affected with SPG7-related conditions. ClinVar contains an entry for this variant (Variation ID: 835294). Advanced modeling of protein sequence and biophysical properties (such as structural, functional, and spatial information, amino acid conservation, physicochemical variation, residue mobility, and thermodynamic stability) performed at Invitae indicates that this missense variant is expected to disrupt SPG7 protein function. In summary, the available evidence is currently insufficient to determine the role of this variant in disease. Therefore, it has been classified as a Variant of Uncertain Significance.